The following is an entry in ClinVar:

ClinVar aggregate classification (germline): Uncertain significance (1 of 4 stars; one submission).

Conditions:
SEMA3B-related disorder. Also called: SEMA3B-related condition.

Submission:

PreventionGenetics, part of Exact Sciences
Classification: Uncertain significance for SEMA3B-related condition. Last evaluated: 2024-12-17. Review status: criteria provided, single submitter. Criteria: ACMG Guidelines, 2015. Collection method: clinical testing. Allele origin: germline.
Comment: The SEMA3B c.1884G>T variant is predicted to result in the amino acid substitution p.Glu628Asp. To our knowledge, this variant has not been reported in the literature or in a large population database (gnomAD), indicating this variant is rare. At this time, the clinical significance of this variant is uncertain due to the absence of conclusive functional and genetic evidence.

NM_001290060.2(SEMA3B):c.1869G>T (p.Glu623Asp)

Gene: SEMA3B (semaphorin 3B; plus strand). Cytogenetic location: 3p21.31.
Variant type: single nucleotide variant.
Coding change: c.1869G>T on transcript NM_001290060.2 (MANE Select); coding-DNA position 1869, G replaced by T.
Protein change: p.Glu623Asp; replaces glutamic acid 623 with aspartic acid.
Molecular consequence: missense variant. On other transcripts: non-coding transcript variant (1).
Genome position (GRCh38, 1-based): chr3:50,276,325, G>T. VCF-style: chr3-50276325-G-T. GRCh37 (hg19) VCF-style: chr3-50313756-G-T.
Other names: c.1866G>T, p.Glu622Asp (NM_001005914.3, NM_001435957.1, NM_001435958.1); c.1884G>T, p.Glu628Asp (NM_001290061.1); c.840G>T, p.Glu280Asp (NM_001290062.2, NM_001290063.2); c.1869G>T, p.Glu623Asp (NM_001435956.1, NM_004636.4); short protein forms E280D, E622D, E628D, E623D.
Identifiers: ClinVar variation 5001874 (VCV005001874.1).